The following is an entry in ClinVar:

NM_002439.5(MSH3):c.886C>T (p.Arg296Cys)

Gene: MSH3 (mutS homolog 3; plus strand). Cytogenetic location: 5q14.1.
Variant type: single nucleotide variant.
Coding change: c.886C>T on transcript NM_002439.5 (MANE Select); coding-DNA position 886, C replaced by T.
Protein change: p.Arg296Cys; replaces arginine 296 with cysteine.
Molecular consequence: missense variant.
Genome position (GRCh38, 1-based): chr5:80,672,337, C>T. VCF-style: chr5-80672337-C-T. GRCh37 (hg19) VCF-style: chr5-79968156-C-T.
Other names: short protein forms R296C.
Identifiers: ClinVar variation 641779 (VCV000641779.24), dbSNP rs201216791, ClinGen allele CA3327735.

ClinVar aggregate classification (germline): Uncertain significance. Review status: criteria provided, multiple submitters, no conflicts (2 of 4 stars). 7 submissions from 7 submitters: Uncertain significance (7). Last evaluated 2025-06-03.

Conditions:
Hereditary cancer-predisposing syndrome. Also called: Neoplastic Syndromes, Hereditary; Tumor predisposition; Hereditary neoplastic syndrome; Hereditary Cancer Syndrome. Identifiers: Orphanet 140162, MedGen C0027672, MeSH D009386, MONDO:0015356.
Endometrial carcinoma. Also called: Endometrial carcinoma, somatic. Identifiers: MedGen C0476089, MONDO:0002447, OMIM 608089, HP:0012114.
Familial adenomatous polyposis 4 (FAP4). Also called: MSH3-related attenuated familial adenomatous polyposis. Identifiers: Orphanet 480536, MedGen C4310719, MONDO:0044300, OMIM 617100.

Allele frequency attached by ClinVar (database versions not stated): gnomAD 0.00001 and 0.00002; gnomAD exomes 0.00002 and 0.00007; TOPMed 0.00005; ExAC 0.00007; 1000 Genomes Project 0.00020; 1000 Genomes Project 30x 0.00031.
gnomAD v4.1: 28 of 1,613,518 alleles (0.0017%); highest among the groups gnomAD compares: East Asian, 0.04%; no homozygotes.

Submissions (7):

Quest Diagnostics Nichols Institute San Juan Capistrano
Classification: Uncertain significance. Last evaluated: 2025-06-03. Review status: criteria provided, single submitter. Criteria: Quest Diagnostics criteria. Collection method: clinical testing. Allele origin: unknown.
Comment: The MSH3 c.886C>T (p.Arg296Cys) variant has been reported in the published literature in individuals with colorectal cancer (PMID: 38522067 (2024)), breast cancer (PMID: 32091409 (2020)), and lung cancer (PMID: 27093186 (2016)). The frequency of this variant in the general population (Genome Aggregation Database) is higher than would generally be expected for pathogenic variants in this gene. Analysis of this variant using bioinformatics tools for the prediction of the effect of amino acid changes on protein structure and function yielded predictions that this variant is damaging. Based on the available information, we are unable to determine the clinical significance of this variant.

Ambry Genetics
Classification: Uncertain significance for Hereditary cancer-predisposing syndrome. Last evaluated: 2025-03-29. Review status: criteria provided, single submitter. Criteria: Ambry Variant Classification Scheme 2023. Collection method: clinical testing. Allele origin: germline.
Comment: The p.R296C variant (also known as c.886C>T), located in coding exon 5 of the MSH3 gene, results from a C to T substitution at nucleotide position 886. The arginine at codon 296 is replaced by cysteine, an amino acid with highly dissimilar properties. This amino acid position is highly conserved in available vertebrate species. In addition, this alteration is predicted to be deleterious by in silico analysis. Since supporting evidence is limited at this time, the clinical significance of this alteration remains unclear.

Center for Genomic Medicine, Rigshospitalet, Copenhagen University Hospital
Classification: Uncertain significance. Last evaluated: 2025-03-04. Review status: criteria provided, single submitter. Criteria: ACMG Guidelines, 2015. Collection method: clinical testing. Allele origin: germline.

Labcorp Genetics (formerly Invitae), Labcorp
Classification: Uncertain significance. Last evaluated: 2024-12-22. Review status: criteria provided, single submitter. Criteria: Invitae Variant Classification Sherloc (09022015). Collection method: clinical testing. Allele origin: germline.
Comment: This sequence change replaces arginine, which is basic and polar, with cysteine, which is neutral and slightly polar, at codon 296 of the MSH3 protein (p.Arg296Cys). This variant is present in population databases (rs201216791, gnomAD 0.09%). This variant has not been reported in the literature in individuals affected with MSH3-related conditions. ClinVar contains an entry for this variant (Variation ID: 641779). An algorithm developed to predict the effect of missense changes on protein structure and function (PolyPhen-2) suggests that this variant is likely to be disruptive. In summary, the available evidence is currently insufficient to determine the role of this variant in disease. Therefore, it has been classified as a Variant of Uncertain Significance.

Baylor Genetics
Classification: Uncertain significance for Endometrial carcinoma. Last evaluated: 2023-10-15. Review status: criteria provided, single submitter. Criteria: ACMG Guidelines, 2015. Collection method: clinical testing. Allele origin: unknown.

Department of Pathology and Laboratory Medicine, Sinai Health System
Classification: Uncertain significance for Endometrial carcinoma; Familial adenomatous polyposis 4. Last evaluated: 2023-10-06. Review status: criteria provided, single submitter. Criteria: ACMG Guidelines, 2015. Collection method: clinical testing. Allele origin: germline. Affected: yes.

Sema4
Classification: Uncertain significance for Hereditary cancer-predisposing syndrome. Last evaluated: 2021-07-07. Review status: criteria provided, single submitter. Criteria: Sema4 Curation Guidelines. Collection method: curation. Allele origin: germline.
Comment: The MSH3 c.886C>T (p.R296C) variant has not been reported in literature to our knowledge. This variant was observed in 18/19950 chromosomes in the East Asian population, according to the Genome Aggregation Database (PMID: 32461654). This variant has been reported in ClinVar (Variation ID 641779). In silico tools suggest the impact of the variant on protein function is deleterious, though these predictions have not been confirmed by functional studies. The overall evidence is insufficient to meet ACMG/AMP criteria for classifying it as benign or pathogenic. In summary, the clinical significance of this variant is currently uncertain.

Literature cited by the submitters: PubMed 38522067 (cited by Quest Diagnostics Nichols Institute San Juan Capistrano); PubMed 32091409 (cited by Quest Diagnostics Nichols Institute San Juan Capistrano); PubMed 27093186 (cited by Quest Diagnostics Nichols Institute San Juan Capistrano).